The following is an entry in ClinVar:

NM_000051.4(ATM):c.8794G>A (p.Glu2932Lys)

Genes: ATM (ATM serine/threonine kinase; plus strand), C11orf65 (chromosome 11 open reading frame 65; minus strand). Cytogenetic location: 11q22.3.
Variant type: single nucleotide variant.
Coding change: c.8794G>A on transcript NM_000051.4 (MANE Select); coding-DNA position 8794, G replaced by A.
Protein change: p.Glu2932Lys; replaces glutamic acid 2932 with lysine.
Molecular consequence: missense variant. On other transcripts: intron variant (2).
Genome position (GRCh38, 1-based): chr11:108,354,818, G>A. VCF-style: chr11-108354818-G-A. GRCh37 (hg19) VCF-style: chr11-108225545-G-A.
Other names: p.Glu2932Lys; c.695-19526C>T (NM_001351110.2); c.8794G>A, p.Glu2932Lys (NM_001351834.2); c.640+31102C>T (NM_001330368.2); short protein forms E2932K.
Identifiers: ClinVar variation 848636 (VCV000848636.17), dbSNP rs1240328733, ClinGen allele CA382525572.

ClinVar aggregate classification (germline): Uncertain significance. Review status: criteria provided, multiple submitters, no conflicts (2 of 4 stars). 4 submissions from 4 submitters: Uncertain significance (4). Last evaluated 2024-01-10.
ClinVar aggregate classification (oncogenicity): Uncertain significance (1 of 4 stars; one submission).

Conditions:
Hereditary cancer-predisposing syndrome. Also called: Tumor predisposition; Neoplastic Syndromes, Hereditary; Hereditary Cancer Syndrome; Hereditary neoplastic syndrome. Identifiers: Orphanet 140162, MedGen C0027672, MeSH D009386, MONDO:0015356.
Ataxia-telangiectasia syndrome (AT). Also called: ATAXIA-TELANGIECTASIA, COMPLEMENTATION GROUP A; ATAXIA-TELANGIECTASIA, FRESNO VARIANT; Ataxia-telangiectasia; Ataxia-telangiectasia, complementation group D; AT, COMPLEMENTATION GROUP C; Ataxia-telangiectasia, complementation group E. Identifiers: Orphanet 100, MedGen C0004135, MONDO:0008840, OMIM 208900.
Neoplasm. Also called: tumor; Neoplasms; Neoplasm (disease). Identifiers: MedGen C0027651, MeSH D009369, MONDO:0005070, HP:0002664.

Allele frequency attached by ClinVar (database versions not stated): gnomAD exomes below 0.00001.
gnomAD v4.1: 1 of 1,613,682 alleles (0.000062%); highest among the groups gnomAD compares: East Asian, 0.0022%; no homozygotes.

Submissions (5):

Center for Genomic Medicine, Rigshospitalet, Copenhagen University Hospital
Classification: Uncertain significance for Neoplasm. Last evaluated: 2025-03-04. Review status: criteria provided, single submitter. Criteria: ClinGen/CGC/VICC Guidelines for Oncogenicity, 2022. Collection method: clinical testing. Allele origin: somatic. Affected: yes.

Labcorp Genetics (formerly Invitae), Labcorp
Classification: Uncertain significance for Ataxia-telangiectasia syndrome. Last evaluated: 2024-01-10. Review status: criteria provided, single submitter. Criteria: Invitae Variant Classification Sherloc (09022015). Collection method: clinical testing. Allele origin: germline.
Comment: This sequence change replaces glutamic acid, which is acidic and polar, with lysine, which is basic and polar, at codon 2932 of the ATM protein (p.Glu2932Lys). This variant is present in population databases (no rsID available, gnomAD 0.006%). This variant has not been reported in the literature in individuals affected with ATM-related conditions. ClinVar contains an entry for this variant (Variation ID: 848636). An algorithm developed to predict the effect of missense changes on protein structure and function (PolyPhen-2) suggests that this variant is likely to be disruptive. In summary, the available evidence is currently insufficient to determine the role of this variant in disease. Therefore, it has been classified as a Variant of Uncertain Significance.

Mayo Clinic Laboratories, Mayo Clinic
Classification: Uncertain significance. Last evaluated: 2023-09-18. Review status: criteria provided, single submitter. Criteria: ACMG Guidelines, 2015. Collection method: clinical testing. Allele origin: germline. Observed: 1 variant allele.
Comment: PP3, PM2_moderate

Ambry Genetics
Classification: Uncertain significance for Hereditary cancer-predisposing syndrome. Last evaluated: 2021-10-29. Review status: criteria provided, single submitter. Criteria: Ambry Variant Classification Scheme 2023. Collection method: clinical testing. Allele origin: germline.
Comment: The p.E2932K variant (also known as c.8794G>A), located in coding exon 60 of the ATM gene, results from a G to A substitution at nucleotide position 8794. The glutamic acid at codon 2932 is replaced by lysine, an amino acid with similar properties. This amino acid position is highly conserved in available vertebrate species. In addition, this alteration is predicted to be deleterious by in silico analysis. Since supporting evidence is limited at this time, the clinical significance of this alteration remains unclear.

Color Diagnostics, LLC DBA Color Health
Classification: Uncertain significance for Hereditary cancer-predisposing syndrome. Last evaluated: 2021-07-28. Review status: criteria provided, single submitter. Criteria: ACMG Guidelines, 2015. Collection method: clinical testing. Allele origin: germline.
Comment: This missense variant replaces glutamic acid with lysine at codon 2932 of the ATM protein. Computational prediction suggests that this variant may have deleterious impact on protein structure and function (internally defined REVEL score threshold >= 0.7, PMID: 27666373). To our knowledge, functional studies have not been reported for this variant. This variant has not been reported in individuals affected with hereditary cancer in the literature. This variant has been identified in 1/251394 chromosomes in the general population by the Genome Aggregation Database (gnomAD). The available evidence is insufficient to determine the role of this variant in disease conclusively. Therefore, this variant is classified as a Variant of Uncertain Significance.

Literature cited by the submitters: PubMed 37450374 (cited by Mayo Clinic Laboratories, Mayo Clinic).